The following is an entry in ClinVar:

NM_001349206.2(LPIN1):c.2162+8C>G

Gene: LPIN1 (lipin 1; plus strand). Cytogenetic location: 2p25.1.
Variant type: single nucleotide variant.
Coding change: c.2162+8C>G on transcript NM_001349206.2 (MANE Select); 8 bases into the intron after coding-DNA position 2162, C replaced by G.
Molecular consequence: intron variant.
Genome position (GRCh38, 1-based): chr2:11,804,579, C>G. VCF-style: chr2-11804579-C-G. GRCh37 (hg19) VCF-style: chr2-11944705-C-G.
Other names: p.?; c.2159+8C>G (NM_001349203.2, NM_001349202.2); c.2132+8C>G (NM_001349201.2, NM_001349200.2); c.2054+8C>G (NM_145693.4, NM_001349199.2); c.2162+8C>G (NM_001349205.2, NM_001349204.2); c.2309+8C>G (NM_001261428.3); c.2201+8C>G (NM_001349208.2); c.2252+8C>G (NM_001349207.2); and 1 more.
Identifiers: ClinVar variation 4684472 (VCV004684472.1).

ClinVar aggregate classification (germline): Likely benign (1 of 4 stars; one submission).

Submission:

Mayo Clinic Laboratories, Mayo Clinic
Classification: Likely benign. Last evaluated: 2025-08-13. Review status: criteria provided, single submitter. Criteria: ACMG Guidelines, 2015. Collection method: clinical testing. Allele origin: germline. Observed: 1 variant allele.
Comment: BP4, BP7